The following is an entry in ClinVar:

ClinVar aggregate classification (germline): Uncertain significance (1 of 4 stars; one submission).

Conditions:
Isovaleryl-CoA dehydrogenase deficiency (IVA). Also called: ISOVALERIC ACID CoA DEHYDROGENASE DEFICIENCY; Isovaleric acidemia; IVD DEFICIENCY; Classic Isovaleric Acidemia. Identifiers: Orphanet 33, MedGen C0268575, MONDO:0009475, OMIM 243500.

Submission:

Labcorp Genetics (formerly Invitae), Labcorp
Classification: Uncertain significance for Isovaleryl-CoA dehydrogenase deficiency. Last evaluated: 2022-10-24. Review status: criteria provided, single submitter. Criteria: Invitae Variant Classification Sherloc (09022015). Collection method: clinical testing. Allele origin: germline.
Comment: Algorithms developed to predict the effect of sequence changes on RNA splicing suggest that this variant may disrupt the consensus splice site. This variant has not been reported in the literature in individuals affected with IVD-related conditions. This variant is not present in population databases (gnomAD no frequency). This sequence change falls in intron 10 of the IVD gene. It does not directly change the encoded amino acid sequence of the IVD protein. In summary, the available evidence is currently insufficient to determine the role of this variant in disease. Therefore, it has been classified as a Variant of Uncertain Significance.

NM_002225.5(IVD):c.1066-20A>G

Gene: IVD (isovaleryl-CoA dehydrogenase; plus strand). Cytogenetic location: 15q15.1.
Variant type: single nucleotide variant.
Coding change: c.1066-20A>G on transcript NM_002225.5 (MANE Select); 20 bases into the intron before coding-DNA position 1066, A replaced by G.
Molecular consequence: intron variant.
Genome position (GRCh38, 1-based): chr15:40,416,270, A>G. VCF-style: chr15-40416270-A-G. GRCh37 (hg19) VCF-style: chr15-40708469-A-G.
Other names: c.1153-20A>G (NM_001354600.3, NM_001354599.3); c.1066-20A>G (NM_001354598.3, NM_001354601.3); c.1018-20A>G (NM_001354597.3); c.976-20A>G (NM_001159508.3).
Identifiers: ClinVar variation 1999375 (VCV001999375.4), dbSNP rs2542759302, ClinGen allele CA2580089353.